The following is an entry in ClinVar:

NM_017654.4(SAMD9):c.8A>G (p.Lys3Arg)

Gene: SAMD9 (sterile alpha motif domain containing 9; minus strand). Cytogenetic location: 7q21.2.
Variant type: single nucleotide variant.
Coding change: c.8A>G on transcript NM_017654.4 (MANE Select); coding-DNA position 8, A replaced by G.
Protein change: p.Lys3Arg; replaces lysine 3 with arginine.
Molecular consequence: missense variant.
Genome position (GRCh38, 1-based): chr7:93,106,090, T>C on the plus strand (A>G on the coding strand, the complement: SAMD9 is on the minus strand). VCF-style: chr7-93106090-T-C. GRCh37 (hg19) VCF-style: chr7-92735403-T-C.
Other names: c.8A>G, p.Lys3Arg (NM_001193307.2); short protein forms K3R.
Identifiers: ClinVar variation 5028738 (VCV005028738.1).

ClinVar aggregate classification (germline): Uncertain significance (1 of 4 stars; one submission).

Conditions:
Inborn genetic diseases. Identifiers: MedGen C0950123, MeSH D030342.

Submission:

Ambry Genetics
Classification: Uncertain significance for Inborn genetic diseases. Last evaluated: 2026-06-24. Review status: criteria provided, single submitter. Criteria: Ambry Variant Classification Scheme 2023. Collection method: clinical testing. Allele origin: germline.
Comment: The p.K3R variant (also known as c.8A>G), located in coding exon 1 of the SAMD9 gene, results from an A to G substitution at nucleotide position 8. The lysine at codon 3 is replaced by arginine, an amino acid with highly similar properties. This amino acid position is conserved. In addition, this alteration is predicted to be tolerated by in silico analysis. Based on the available evidence, the clinical significance of this variant remains unclear.